The following is an entry in ClinVar:

ClinVar aggregate classification (germline): Benign. Review status: criteria provided, multiple submitters, no conflicts (2 of 4 stars). 3 submissions from 3 submitters: Benign (3). Last evaluated 2026-02-03.

Conditions:
Retinitis pigmentosa (RP). Identifiers: Orphanet 791, MedGen C0035334, MeSH D012174, MONDO:0019200, OMIM 268000. Inheritance: Autosomal dominant, autosomal recessive and X linked inheritance.

Allele frequency attached by ClinVar (database versions not stated): 1000 Genomes Project 0.01458; 1000 Genomes Project 30x 0.01483; TOPMed 0.02418; gnomAD 0.02740 and 0.02780; ESP Exome Variant Server 0.02783; ExAC 0.02899; gnomAD exomes 0.02929.
gnomAD v4.1: 55,290 of 1,614,158 alleles (3.4%); highest among the groups gnomAD compares: Middle Eastern, 4.2%; 1,077 homozygotes.

Submissions (3):

Labcorp Genetics (formerly Invitae), Labcorp
Classification: Benign. Last evaluated: 2026-02-03. Review status: criteria provided, single submitter. Criteria: Invitae Variant Classification Sherloc (09022015). Collection method: clinical testing. Allele origin: germline.

Illumina Laboratory Services, Illumina
Classification: Benign for Retinitis pigmentosa. Last evaluated: 2018-01-13. Review status: criteria provided, single submitter. Criteria: ICSL Variant Classification Criteria 13 December 2019. Collection method: clinical testing. Allele origin: germline.
Comment: This variant was observed in the ICSL laboratory as part of a predisposition screen in an ostensibly healthy population. It had not been previously curated by ICSL or reported in the Human Gene Mutation Database (HGMD: prior to June 1st, 2018), and was therefore a candidate for classification through an automated scoring system. Utilizing variant allele frequency, disease prevalence and penetrance estimates, and inheritance mode, an automated score was calculated to assess if this variant is too frequent to cause the disease. Based on the score and internal cut-off values, a variant classified as benign is not then subjected to further curation. The score for this variant resulted in a classification of benign for this disease.

Breakthrough Genomics
Classification: Benign. Review status: criteria provided, single submitter. Criteria: ACMG Guidelines, 2015. Collection method: not provided. Allele origin: germline. Inheritance: Autosomal dominant inheritance. Affected: yes.

NM_006445.4(PRPF8):c.4639-13G>A

Gene: PRPF8 (pre-mRNA processing factor 8; minus strand). Cytogenetic location: 17p13.3.
Variant type: single nucleotide variant.
Coding change: c.4639-13G>A on transcript NM_006445.4 (MANE Select); 13 bases into the intron before coding-DNA position 4639, G replaced by A.
Molecular consequence: intron variant.
Genome position (GRCh38, 1-based): chr17:1,660,591, C>T on the plus strand (G>A on the coding strand, the complement: PRPF8 is on the minus strand). VCF-style: chr17-1660591-C-T. GRCh37 (hg19) VCF-style: chr17-1563885-C-T.
Identifiers: ClinVar variation 321884 (VCV000321884.13), dbSNP rs62088058, ClinGen allele CA8271610.